The following is an entry in ClinVar:

ClinVar aggregate classification (germline): Uncertain significance (1 of 4 stars; one submission).

Submission:

Labcorp Genetics (formerly Invitae), Labcorp
Classification: Uncertain significance. Last evaluated: 2022-07-15. Review status: criteria provided, single submitter. Criteria: Invitae Variant Classification Sherloc (09022015). Collection method: clinical testing. Allele origin: germline.
Comment: This sequence change falls in intron 4 of the MICAL1 gene. It does not directly change the encoded amino acid sequence of the MICAL1 protein. It affects a nucleotide within the consensus splice site. This variant is present in population databases (rs768158233, gnomAD 0.005%). This variant has not been reported in the literature in individuals affected with MICAL1-related conditions. Variants that disrupt the consensus splice site are a relatively common cause of aberrant splicing (PMID: 17576681, 9536098). Algorithms developed to predict the effect of sequence changes on RNA splicing suggest that this variant may disrupt the consensus splice site. In summary, the available evidence is currently insufficient to determine the role of this variant in disease. Therefore, it has been classified as a Variant of Uncertain Significance.

Literature cited by the submitters: PubMed 17576681; PubMed 9536098.

NM_022765.4(MICAL1):c.571+4_571+7del

Gene: MICAL1 (microtubule associated monooxygenase, calponin and LIM domain containing 1; minus strand). Cytogenetic location: 6q21.
Variant type: Deletion.
Coding change: c.571+4_571+7del on transcript NM_022765.4 (MANE Select); bases 4 to 7 of the intron after coding-DNA position 571, 4 bases deleted (AGTA; older notation c.571+4_571+7delAGTA).
Molecular consequence: splice donor variant.
Genome position (GRCh38, 1-based): chr6:109,453,256-109,453,259, TACT deleted on the plus strand (AGTA on the coding strand, the reverse complement: MICAL1 is on the minus strand); deleting any 4 consecutive bases within chr6:109,453,256-109,453,262 gives the same sequence; the c. name uses the placement nearest the transcript's 3' end. VCF-style (leftmost placement, unchanged base first): chr6-109453255-ATACT-A. GRCh37 (hg19) VCF-style: chr6-109774458-ATACT-A.
Other names: c.628+4_628+7del (NM_001286613.2); c.571+4_571+7del (NM_001159291.2).
Identifiers: ClinVar variation 1937596 (VCV001937596.5), dbSNP rs768158233, ClinGen allele CA3953734.